The following is an entry in ClinVar:

NM_001267550.2(TTN):c.88576A>G (p.Ile29526Val)

Genes: TTN (titin; minus strand), TTN-AS1 (TTN antisense RNA 1; plus strand). Cytogenetic location: 2q31.2.
Variant type: single nucleotide variant.
Coding change: c.88576A>G on transcript NM_001267550.2 (MANE Select); coding-DNA position 88576, A replaced by G.
Protein change: p.Ile29526Val; replaces isoleucine 29526 with valine.
Molecular consequence: missense variant.
Genome position (GRCh38, 1-based): chr2:178,554,883, T>C on the plus strand (A>G on the coding strand, the complement: TTN is on the minus strand). VCF-style: chr2-178554883-T-C. GRCh37 (hg19) VCF-style: chr2-179419610-T-C.
Other names: c.83653A>G, p.Ile27885Val (NM_001256850.1); c.61381A>G, p.Ile20461Val (NM_003319.4); c.80872A>G, p.Ile26958Val (NM_133378.4); c.61756A>G, p.Ile20586Val (NM_133432.3); c.61957A>G, p.Ile20653Val (NM_133437.4); short protein forms I20461V, I20586V, I20653V, I26958V, I27885V, I29526V.
Identifiers: ClinVar variation 2651596 (VCV002651596.24), dbSNP rs887166590, ClinGen allele CA60980212.
Genomic context (GRCh38, chr2:178,554,883, plus strand): 5'-TAGGCAAATGTAATATGACAGTGGTCTGTATTCAGCACCTACCAAGGATCTGTACTCTGA[T>C]GGTGGCTGAGGCTGAGCCCATGGCATTCCTTAGTTTTAATTCATAGCATCCACTATTAAG-3'
Protein context (NP_001254479.2, residues 29516-29536): RNAMGSASAT[Ile29526Val]RVQILDKPGP

ClinVar aggregate classification (germline): Likely benign (1 of 4 stars; one submission).

Allele frequency attached by ClinVar (database versions not stated): gnomAD 0.00001; gnomAD exomes below 0.00001; TOPMed below 0.00001.
gnomAD v4.1: 6 of 1,613,806 alleles (0.00037%); highest among the groups gnomAD compares: Non-Finnish European, 0.00051%; no homozygotes.

Submission:

CeGaT Center for Human Genetics Tuebingen
Classification: Likely benign. Last evaluated: 2022-10-01. Review status: criteria provided, single submitter. Criteria: CeGaT Center For Human Genetics Tuebingen Variant Classification Criteria Version 2. Collection method: clinical testing. Allele origin: germline. Affected: yes. Observed: 1 variant allele.
Comment: TTN: BP4